The following is an entry in ClinVar:

ClinVar aggregate classification (germline): Uncertain significance. Review status: criteria provided, multiple submitters, no conflicts (2 of 4 stars). 7 submissions from 6 submitters: Uncertain significance (6). 1 of the submissions does not count toward it. Last evaluated 2025-10-17.

Conditions:
Retinal dystrophy. Also called: Inherited retinal dystrophy. Identifiers: Orphanet 71862, MedGen C0854723, MeSH D058499, MONDO:0019118, HP:0000556.
Usher syndrome type 2A. Also called: RETINAL DISEASE IN USHER SYNDROME TYPE IIA, MODIFIER OF; USHER SYNDROME, TYPE IIA. Identifiers: Orphanet 231178, Orphanet 886, MedGen C1848634, MONDO:0010169, OMIM 276901.
Inborn genetic diseases. Identifiers: MedGen C0950123, MeSH D030342.
Retinitis pigmentosa 39 (RP39). Identifiers: Orphanet 791, MedGen C3151138, MONDO:0013436, OMIM 613809.

Allele frequency attached by ClinVar (database versions not stated): gnomAD 0.00001; TOPMed 0.00001; gnomAD exomes 0.00002.
gnomAD v4.1: 26 of 1,613,660 alleles (0.0016%); highest among the groups gnomAD compares: Middle Eastern, 0.033%; no homozygotes.

Submissions (7):

Ambry Genetics
Classification: Uncertain significance for Inborn genetic diseases. Last evaluated: 2025-10-17. Review status: criteria provided, single submitter. Criteria: Ambry Variant Classification Scheme 2023. Collection method: clinical testing. Allele origin: germline.

Genome-Nilou Lab
Classification: Uncertain significance for Retinitis pigmentosa 39. Last evaluated: 2023-11-04. Review status: criteria provided, single submitter. Criteria: ACMG Guidelines, 2015. Collection method: clinical testing. Allele origin: germline. Affected: no.

Genome-Nilou Lab
Classification: Uncertain significance for Usher syndrome type 2A. Last evaluated: 2023-11-04. Review status: criteria provided, single submitter. Criteria: ACMG Guidelines, 2015. Collection method: clinical testing. Allele origin: germline. Affected: no.

Blueprint Genetics
Classification: Uncertain significance. Last evaluated: 2023-07-26. Review status: criteria provided, single submitter. Criteria: ACMG Guidelines, 2015. Collection method: clinical testing. Allele origin: germline.

CeGaT Center for Human Genetics Tuebingen
Classification: Uncertain significance. Last evaluated: 2022-03-01. Review status: criteria provided, single submitter. Criteria: CeGaT Center For Human Genetics Tuebingen Variant Classification Criteria Version 2. Collection method: clinical testing. Allele origin: germline. Affected: yes. Observed: 1 variant allele.
Comment: USH2A: PM2, BP1

Labcorp Genetics (formerly Invitae), Labcorp
Classification: Uncertain significance. Last evaluated: 2022-01-27. Review status: criteria provided, single submitter. Criteria: Invitae Variant Classification Sherloc (09022015). Collection method: clinical testing. Allele origin: germline.
Comment: This sequence change replaces serine, which is neutral and polar, with arginine, which is basic and polar, at codon 2450 of the USH2A protein (p.Ser2450Arg). This variant is present in population databases (no rsID available, gnomAD 0.0009%). This variant has not been reported in the literature in individuals affected with USH2A-related conditions. Algorithms developed to predict the effect of missense changes on protein structure and function (SIFT, PolyPhen-2, Align-GVGD) all suggest that this variant is likely to be disruptive. In summary, the available evidence is currently insufficient to determine the role of this variant in disease. Therefore, it has been classified as a Variant of Uncertain Significance.

Institute of Human Genetics, Univ. Regensburg, Univ. Regensburg
Classification: Uncertain significance for Retinal dystrophy. Last evaluated: 2018-01-01. Review status: no assertion criteria provided. Criteria: ACMG Guidelines, 2015. Collection method: clinical testing. Allele origin: germline. Affected: yes. Not counted in ClinVar's aggregate classification.

NM_206933.4(USH2A):c.7348A>C (p.Ser2450Arg)

Gene: USH2A (usherin; minus strand). Cytogenetic location: 1q41.
Variant type: single nucleotide variant.
Coding change: c.7348A>C on transcript NM_206933.4 (MANE Select); coding-DNA position 7348, A replaced by C.
Protein change: p.Ser2450Arg; replaces serine 2450 with arginine.
Molecular consequence: missense variant.
Genome position (GRCh38, 1-based): chr1:215,900,858, T>G on the plus strand (A>C on the coding strand, the complement: USH2A is on the minus strand). VCF-style: chr1-215900858-T-G. GRCh37 (hg19) VCF-style: chr1-216074200-T-G.
Other names: c.7348A>C (NM_206933.2); short protein forms S2450R.
Identifiers: ClinVar variation 2150631 (VCV002150631.26), dbSNP rs937210387, ClinGen allele CA37452178.